The following is an entry in ClinVar:

NM_000059.4(BRCA2):c.4408A>G (p.Ile1470Val)

Gene: BRCA2 (BRCA2 DNA repair associated; plus strand). Cytogenetic location: 13q13.1.
Variant type: single nucleotide variant.
Coding change: c.4408A>G on transcript NM_000059.4 (MANE Select); coding-DNA position 4408, A replaced by G.
Protein change: p.Ile1470Val; replaces isoleucine 1470 with valine.
Molecular consequence: missense variant.
Genome position (GRCh38, 1-based): chr13:32,338,763, A>G. VCF-style: chr13-32338763-A-G. GRCh37 (hg19) VCF-style: chr13-32912900-A-G.
Other names: short protein forms I1470V.
Identifiers: ClinVar variation 1329076 (VCV001329076.8), dbSNP rs2137506004, ClinGen allele CA387781170.

ClinVar aggregate classification (germline): Conflicting classifications of pathogenicity. Review status: criteria provided, conflicting classifications (1 of 4 stars). 4 submissions from 4 submitters: Uncertain significance (3); Likely benign (1). Last evaluated 2025-02-20.

Conditions:
Hereditary cancer-predisposing syndrome. Also called: Hereditary Cancer Syndrome; Tumor predisposition; Neoplastic Syndromes, Hereditary; Hereditary neoplastic syndrome. Identifiers: Orphanet 140162, MedGen C0027672, MeSH D009386, MONDO:0015356.
Hereditary breast ovarian cancer syndrome. Also called: Hereditary breast and ovarian cancer syndrome; Hereditary breast and ovarian cancer; Hereditary breast and ovarian cancer syndrome (HBOC); BRCA1- and BRCA2-Associated Hereditary Breast and Ovarian Cancer; Hereditary breast and/or ovarian cancer syndrome; Breast and ovarian cancer. Identifiers: Orphanet 145, MedGen C0677776, MeSH D061325, MONDO:0003582. Disease mechanism: loss of function.

Allele frequency attached by ClinVar (database versions not stated): gnomAD exomes below 0.00001.
gnomAD v4.1: 2 of 1,610,212 alleles (0.00012%); highest among the groups gnomAD compares: African/African-American, 0.0013%; no homozygotes.

Submissions (4):

Labcorp Genetics (formerly Invitae), Labcorp
Classification: Uncertain significance for Hereditary breast ovarian cancer syndrome. Last evaluated: 2025-02-20. Review status: criteria provided, single submitter. Criteria: Invitae Variant Classification Sherloc (09022015). Collection method: clinical testing. Allele origin: germline.
Comment: This sequence change replaces isoleucine, which is neutral and non-polar, with valine, which is neutral and non-polar, at codon 1470 of the BRCA2 protein (p.Ile1470Val). This variant is not present in population databases (gnomAD no frequency). This variant has not been reported in the literature in individuals affected with BRCA2-related conditions. ClinVar contains an entry for this variant (Variation ID: 1329076). Invitae Evidence Modeling of protein sequence and biophysical properties (such as structural, functional, and spatial information, amino acid conservation, physicochemical variation, residue mobility, and thermodynamic stability) indicates that this missense variant is not expected to disrupt BRCA2 protein function with a negative predictive value of 95%. In summary, the available evidence is currently insufficient to determine the role of this variant in disease. Therefore, it has been classified as a Variant of Uncertain Significance.

University of Washington Department of Laboratory Medicine, University of Washington
Classification: Likely benign for Hereditary cancer-predisposing syndrome. Last evaluated: 2023-03-23. Review status: criteria provided, single submitter. Criteria: Dines et al. (Genet Med. 2020). Collection method: curation. Allele origin: germline.
Comment: Missense variant in a coldspot region where missense variants are very unlikely to be pathogenic (PMID:31911673).

BRCA2 exon 11 coldspot. Reclassification based on statistical prior probability.

Women's Health and Genetics/Laboratory Corporation of America, LabCorp
Classification: Uncertain significance. Last evaluated: 2021-11-15. Review status: criteria provided, single submitter. Criteria: LabCorp Variant Classification Summary - May 2015. Collection method: clinical testing. Allele origin: germline.
Comment: Variant summary: BRCA2 c.4408A>G (p.Ile1470Val) results in a conservative amino acid change in the encoded protein sequence. Five of five in-silico tools predict a benign effect of the variant on protein function. The variant was absent in 248584 control chromosomes, however the available data on variant occurrences in the general population are insufficient to allow any conclusion about variant significance. To our knowledge, no occurrence of c.4408A>G in individuals affected with Hereditary Breast And Ovarian Cancer Syndrome and no experimental evidence demonstrating its impact on protein function have been reported. No clinical diagnostic laboratories have submitted clinical-significance assessments for this variant to ClinVar after 2014. Based on the evidence outlined above, the variant was classified as uncertain significance.

Ambry Genetics
Classification: Uncertain significance for Hereditary cancer-predisposing syndrome. Last evaluated: 2020-01-07. Review status: criteria provided, single submitter. Criteria: Ambry Variant Classification Scheme 2023. Collection method: clinical testing. Allele origin: germline.
Comment: The p.I1470V variant (also known as c.4408A>G), located in coding exon 10 of the BRCA2 gene, results from an A to G substitution at nucleotide position 4408. The isoleucine at codon 1470 is replaced by valine, an amino acid with highly similar properties. This amino acid position is poorly conserved in available vertebrate species. In addition, this alteration is predicted to be tolerated by in silico analysis. Since supporting evidence is limited at this time, the clinical significance of this alteration remains unclear.